The following is an entry in ClinVar:

NM_133259.4(LRPPRC):c.1201C>T (p.Gln401Ter)

Gene: LRPPRC (leucine rich pentatricopeptide repeat containing; minus strand). Cytogenetic location: 2p21.
Variant type: single nucleotide variant.
Coding change: c.1201C>T on transcript NM_133259.4 (MANE Select); coding-DNA position 1201, C replaced by T.
Protein change: p.Gln401Ter; replaces glutamine 401 with a stop codon.
Molecular consequence: nonsense.
Genome position (GRCh38, 1-based): chr2:43,973,855, G>A on the plus strand (C>T on the coding strand, the complement: LRPPRC is on the minus strand). VCF-style: chr2-43973855-G-A. GRCh37 (hg19) VCF-style: chr2-44200994-G-A.
Other names: short protein forms Q401*.
Identifiers: ClinVar variation 553580 (VCV000553580.3), dbSNP rs1553410866, ClinGen allele CA346672244.

ClinVar aggregate classification (germline): Pathogenic. Review status: criteria provided, single submitter (1 of 4 stars). 2 submissions from 2 submitters: Pathogenic (1). 1 of the submissions does not count toward it. Last evaluated 2025-12-20.

Conditions:
Congenital lactic acidosis, Saguenay-Lac-Saint-Jean type (MC4DN5). Also called: CYTOCHROME c OXIDASE DEFICIENCY, FRENCH CANADIAN TYPE; COX DEFICIENCY, FRENCH CANADIAN TYPE; MITOCHONDRIAL COMPLEX IV DEFICIENCY, NUCLEAR TYPE 5. Identifiers: Orphanet 70472, MedGen C1857355, MONDO:0009069, OMIM 220111.

Submissions (2):

Labcorp Genetics (formerly Invitae), Labcorp
Classification: Pathogenic. Last evaluated: 2025-12-20. Review status: criteria provided, single submitter. Criteria: Invitae Variant Classification Sherloc (09022015). Collection method: clinical testing. Allele origin: germline.
Comment: This sequence change creates a premature translational stop signal (p.Gln401*) in the LRPPRC gene. It is expected to result in an absent or disrupted protein product. Loss-of-function variants in LRPPRC are known to be pathogenic (PMID: 26510951). This variant is not present in population databases (gnomAD no frequency). This variant has not been reported in the literature in individuals affected with LRPPRC-related conditions. ClinVar contains an entry for this variant (Variation ID: 553580). Algorithms developed to predict the effect of sequence changes on RNA splicing suggest that this variant may disrupt the consensus splice site. For these reasons, this variant has been classified as Pathogenic.

Counsyl
Classification: Likely pathogenic for Congenital lactic acidosis, Saguenay-Lac-Saint-Jean type. Last evaluated: 2017-08-30. Review status: no assertion criteria provided. Collection method: clinical testing. Allele origin: unknown. Not counted in ClinVar's aggregate classification.

Literature cited by the submitters: PubMed 26510951 (cited by Labcorp Genetics (formerly Invitae), Labcorp).